The following is an entry in ClinVar:

ClinVar aggregate classification (germline): Benign/Likely benign. Review status: criteria provided, multiple submitters, no conflicts (2 of 4 stars). 7 submissions from 7 submitters: Benign (3); Likely benign (2). 2 of the submissions do not count toward it. Last evaluated 2026-09-22.

Conditions:
Inborn genetic diseases. Identifiers: MedGen C0950123, MeSH D030342.
Intellectual disability. Also called: Intellectual functioning disability; Intellectual developmental disorder; intellectual disabilities. Identifiers: MedGen C3714756, MeSH D008607, MONDO:0001071, HP:0001249.
SMS-related disorder. Also called: SMS-related condition.

Allele frequency attached by ClinVar (database versions not stated): ESP Exome Variant Server 0.00009; TOPMed 0.00015; gnomAD 0.00018 and 0.00019; ExAC 0.00020; gnomAD exomes 0.00020 and 0.00027.
gnomAD v4.1: 299 of 1,171,026 alleles (0.026%); highest among the groups gnomAD compares: Non-Finnish European, 0.033%; 1 homozygote.

Submissions (7):

PreventionGenetics, part of Exact Sciences
Classification: Likely benign for SMS-related condition. Last evaluated: 2026-09-22. Review status: criteria provided, single submitter. Criteria: ACMG Guidelines, 2015. Collection method: clinical testing. Allele origin: germline.
Comment: This variant is classified as likely benign based on ACMG/AMP sequence variant interpretation guidelines (Richards et al. 2015 PMID: 25741868, with internal and published modifications).

Labcorp Genetics (formerly Invitae), Labcorp
Classification: Benign. Last evaluated: 2024-10-25. Review status: criteria provided, single submitter. Criteria: Invitae Variant Classification Sherloc (09022015). Collection method: clinical testing. Allele origin: germline.

Blueprint Genetics
Classification: Likely benign. Last evaluated: 2024-08-28. Review status: criteria provided, single submitter. Criteria: ACMG Guidelines, 2015. Collection method: clinical testing. Allele origin: germline.

Cambridge Genomics Laboratory, East Genomic Laboratory Hub, NHS Genomic Medicine Service
Classification: Benign for Intellectual disability. Last evaluated: 2019-04-17. Review status: criteria provided, single submitter. Criteria: ACGS Best Practice Guidelines for Variant Classification in Rare Disease 2020. Collection method: clinical testing. Allele origin: germline. Affected: yes. Observed: 1 variant allele.

Ambry Genetics
Classification: Benign for Inborn genetic diseases. Last evaluated: 2017-09-21. Review status: criteria provided, single submitter. Criteria: Ambry Variant Classification Scheme 2023. Collection method: clinical testing. Allele origin: germline.

Genome Diagnostics Laboratory, University Medical Center Utrecht
Classification: Likely benign. Review status: no assertion criteria provided. Collection method: clinical testing. Allele origin: germline. Affected: yes. Study: VKGL Data-share Consensus. Not counted in ClinVar's aggregate classification.

Laboratory of Diagnostic Genome Analysis, Leiden University Medical Center (LUMC)
Classification: Likely benign. Review status: no assertion criteria provided. Collection method: clinical testing. Allele origin: germline. Affected: yes. Study: VKGL Data-share Consensus. Not counted in ClinVar's aggregate classification.

NM_004595.5(SMS):c.171C>T (p.Ser57=)

Gene: SMS (spermine synthase; plus strand). Cytogenetic location: Xp22.11.
Variant type: single nucleotide variant.
Coding change: c.171C>T on transcript NM_004595.5 (MANE Select); coding-DNA position 171, C replaced by T.
Protein change: p.Ser57=; no amino-acid change (serine 57 retained).
Molecular consequence: synonymous variant. On other transcripts: intron variant (1).
Genome position (GRCh38, 1-based): chrX:21,971,897, C>T. VCF-style: chrX-21971897-C-T. GRCh37 (hg19) VCF-style: chrX-21990015-C-T.
Other names: c.170+4581C>T (NM_001258423.2).
Identifiers: ClinVar variation 728106 (VCV000728106.14), dbSNP rs201558273, ClinGen allele CA10367747.